The following is an entry in ClinVar:

NM_001306080.2(LMO7):c.1004A>G (p.Lys335Arg)

Gene: LMO7 (LIM domain 7; plus strand). Cytogenetic location: 13q22.2.
Variant type: single nucleotide variant.
Coding change: c.1004A>G on transcript NM_001306080.2 (MANE Select); coding-DNA position 1004, A replaced by G.
Protein change: p.Lys335Arg; replaces lysine 335 with arginine.
Molecular consequence: missense variant. On other transcripts: intron variant (3).
Genome position (GRCh38, 1-based): chr13:75,805,568, A>G. VCF-style: chr13-75805568-A-G. GRCh37 (hg19) VCF-style: chr13-76379704-A-G.
Other names: c.305A>G, p.Lys102Arg (NM_001330583.1, NM_001366632.2, NM_015842.2); c.878A>G, p.Lys293Arg (NM_001366633.2); c.1070+1027A>G (NM_005358.5); c.215+1027A>G (NM_001366636.2, NM_001366634.2); short protein forms K102R, K335R, K293R.
Identifiers: ClinVar variation 4546883 (VCV004546883.1).

ClinVar aggregate classification (germline): Uncertain significance (1 of 4 stars; one submission).

gnomAD v4.1: 31 of 1,614,046 alleles (0.0019%); highest among the groups gnomAD compares: Middle Eastern, 0.033%; 1 homozygote.

Submission:

Ambry Genetics
Classification: Uncertain significance. Last evaluated: 2025-10-02. Review status: criteria provided, single submitter. Criteria: Ambry Variant Classification Scheme 2023. Collection method: clinical testing. Allele origin: germline.
Comment: The c.305A>G (p.K102R) alteration is located in exon 6 (coding exon 2) of the LMO7 gene. This alteration results from a A to G substitution at nucleotide position 305, causing the lysine (K) at amino acid position 102 to be replaced by an arginine (R). Based on data from gnomAD, the G allele has an overall frequency of 0.005% (12/248772) total alleles studied. The highest observed frequency was 0.039% (12/30602) of South Asian alleles. Based on insufficient or conflicting evidence, the clinical significance of this alteration remains unclear.